The following is an entry in ClinVar:

NM_001044385.3(TMEM237):c.605_606del (p.Ile202fs)

Gene: TMEM237 (transmembrane protein 237; minus strand). Cytogenetic location: 2q33.1.
Variant type: Deletion.
Coding change: c.605_606del on transcript NM_001044385.3 (MANE Select); coding-DNA positions 605 to 606, 2 bases deleted (TA; older notation c.605_606delTA).
Protein change: p.Ile202fs; shifts the reading frame from isoleucine 202.
Molecular consequence: frameshift variant.
Genome position (GRCh38, 1-based): chr2:201,629,800-201,629,801, TA deleted on the plus strand (TA on the coding strand, the reverse complement: TMEM237 is on the minus strand); deleting any 2 consecutive bases within chr2:201,629,800-201,629,802 gives the same sequence; the c. name uses the placement nearest the transcript's 3' end. VCF-style (leftmost placement, unchanged base first): chr2-201629799-CTA-C. GRCh37 (hg19) VCF-style: chr2-202494522-CTA-C.
Other names: c.581_582del, p.Ile194fs (NM_152388.4); short protein forms I194fs, I202fs.
Identifiers: ClinVar variation 1069606 (VCV001069606.8), dbSNP rs756970007, ClinGen allele CA2056434.

ClinVar aggregate classification (germline): Pathogenic/Likely pathogenic. Review status: criteria provided, multiple submitters, no conflicts (2 of 4 stars). 2 submissions from 2 submitters: Pathogenic (1); Likely pathogenic (1). Last evaluated 2024-10-23.

Conditions:
TMEM237-related disorder. Also called: TMEM237-related condition.
Joubert syndrome 14 (JBTS14). Identifiers: MedGen C3280766, MONDO:0013745, OMIM 614424.

Submissions (2):

Blueprint Genetics
Classification: Likely pathogenic for TMEM237-related disorders. Last evaluated: 2024-10-23. Review status: criteria provided, single submitter. Criteria: ACMG Guidelines, 2015. Collection method: clinical testing. Allele origin: germline. Affected: yes. Observed: 5 variant alleles.

Labcorp Genetics (formerly Invitae), Labcorp
Classification: Pathogenic for Joubert syndrome 14. Last evaluated: 2022-09-12. Review status: criteria provided, single submitter. Criteria: Invitae Variant Classification Sherloc (09022015). Collection method: clinical testing. Allele origin: germline.
Comment: For these reasons, this variant has been classified as Pathogenic. ClinVar contains an entry for this variant (Variation ID: 1069606). This variant has not been reported in the literature in individuals affected with TMEM237-related conditions. This variant is present in population databases (rs756970007, gnomAD 0.0009%). This sequence change creates a premature translational stop signal (p.Ile202Argfs*87) in the TMEM237 gene. It is expected to result in an absent or disrupted protein product. Loss-of-function variants in TMEM237 are known to be pathogenic (PMID: 22152675).

Literature cited by the submitters: PubMed 22152675 (cited by Labcorp Genetics (formerly Invitae), Labcorp).